The following is an entry in ClinVar:

ClinVar aggregate classification (germline): Uncertain significance (1 of 4 stars; one submission).

gnomAD v4.1: 3 of 1,614,048 alleles (0.00019%); highest among the groups gnomAD compares: East Asian, 0.0022%; no homozygotes.

Submission:

Ambry Genetics
Classification: Uncertain significance. Last evaluated: 2024-04-17. Review status: criteria provided, single submitter. Criteria: Ambry Variant Classification Scheme 2023. Collection method: clinical testing. Allele origin: germline.
Comment: The p.S99T variant (also known as c.295T>A), located in coding exon 1 of the PALLD gene, results from a T to A substitution at nucleotide position 295. The serine at codon 99 is replaced by threonine, an amino acid with similar properties. This amino acid position is conserved. In addition, this alteration is predicted to be tolerated by in silico analysis. Based on the available evidence, the clinical significance of this variant remains unclear.

NM_001166108.2(PALLD):c.295T>A (p.Ser99Thr)

Gene: PALLD (palladin, cytoskeletal associated protein; plus strand). Cytogenetic location: 4q32.3.
Variant type: single nucleotide variant.
Coding change: c.295T>A on transcript NM_001166108.2 (MANE Select); coding-DNA position 295, T replaced by A.
Protein change: p.Ser99Thr; replaces serine 99 with threonine.
Molecular consequence: missense variant.
Genome position (GRCh38, 1-based): chr4:168,511,799, T>A. VCF-style: chr4-168511799-T-A. GRCh37 (hg19) VCF-style: chr4-169432950-T-A.
Other names: c.295T>A, p.Ser99Thr (NM_016081.4); short protein forms S99T.
Identifiers: ClinVar variation 3304061 (VCV003304061.1).